The following is an entry in ClinVar:

ClinVar aggregate classification (germline): Uncertain significance (1 of 4 stars; one submission).

gnomAD v4.1: 1 of 1,614,212 alleles (0.000062%); highest among the groups gnomAD compares: Non-Finnish European, 0.000085%; no homozygotes.

Submission:

Ambry Genetics
Classification: Uncertain significance. Last evaluated: 2025-03-24. Review status: criteria provided, single submitter. Criteria: Ambry Variant Classification Scheme 2023. Collection method: clinical testing. Allele origin: germline.
Comment: The p.P758S variant (also known as c.2272C>T), located in coding exon 8 of the RNF43 gene, results from a C to T substitution at nucleotide position 2272. The proline at codon 758 is replaced by serine, an amino acid with similar properties. This amino acid position is conserved. In addition, this alteration is predicted to be tolerated by in silico analysis. Based on the available evidence, the clinical significance of this variant remains unclear.

NM_017763.6(RNF43):c.2272C>T (p.Pro758Ser)

Gene: RNF43 (ring finger protein 43; minus strand). Cytogenetic location: 17q22.
Variant type: single nucleotide variant.
Coding change: c.2272C>T on transcript NM_017763.6 (MANE Select); coding-DNA position 2272, C replaced by T.
Protein change: p.Pro758Ser; replaces proline 758 with serine.
Molecular consequence: missense variant.
Genome position (GRCh38, 1-based): chr17:58,357,504, G>A on the plus strand (C>T on the coding strand, the complement: RNF43 is on the minus strand). VCF-style: chr17-58357504-G-A. GRCh37 (hg19) VCF-style: chr17-56434865-G-A.
Other names: c.2272C>T, p.Pro758Ser (NM_001305544.3); c.1891C>T, p.Pro631Ser (NM_001305545.2); short protein forms P631S, P758S.
Identifiers: ClinVar variation 3946831 (VCV003946831.1).